The following is an entry in ClinVar:

ClinVar aggregate classification (germline): Benign. Review status: criteria provided, multiple submitters, no conflicts (2 of 4 stars). 3 submissions from 3 submitters: Benign (2). 1 of the submissions does not count toward it. Last evaluated 2019-12-31.

Conditions:
ERC1-related disorder. Also called: ERC1-related condition.

Allele frequency attached by ClinVar (database versions not stated): gnomAD exomes 0.00171 and 0.00392; ExAC 0.00474; gnomAD 0.01378 and 0.01458; ESP Exome Variant Server 0.01392; TOPMed 0.01535; 1000 Genomes Project 0.01877; 1000 Genomes Project 30x 0.01889.
gnomAD v4.1: 4,737 of 1,611,352 alleles (0.29%); highest among the groups gnomAD compares: African/African-American, 4.7%; 95 homozygotes.

Submissions (3):

Labcorp Genetics (formerly Invitae), Labcorp
Classification: Benign. Last evaluated: 2019-12-31. Review status: criteria provided, single submitter. Criteria: Invitae Variant Classification Sherloc (09022015). Collection method: clinical testing. Allele origin: germline.

Breakthrough Genomics
Classification: Benign. Review status: criteria provided, single submitter. Criteria: ACMG Guidelines, 2015. Collection method: not provided. Allele origin: germline. Inheritance: Unknown mechanism. Affected: yes.

PreventionGenetics, part of Exact Sciences
Classification: Benign for ERC1-related condition. Last evaluated: 2019-03-15. Review status: no assertion criteria provided. Collection method: clinical testing. Allele origin: germline. Not counted in ClinVar's aggregate classification.
Comment: This variant is classified as benign based on ACMG/AMP sequence variant interpretation guidelines (Richards et al. 2015 PMID: 25741868, with internal and published modifications).

NM_178040.4(ERC1):c.1179T>A (p.Ser393=)

Gene: ERC1 (ELKS/RAB6-interacting/CAST family member 1; plus strand). Cytogenetic location: 12p13.33.
Variant type: single nucleotide variant.
Coding change: c.1179T>A on transcript NM_178040.4 (MANE Select); coding-DNA position 1179, T replaced by A.
Protein change: p.Ser393=; no amino-acid change (serine 393 retained).
Molecular consequence: synonymous variant. On other transcripts: non-coding transcript variant (2).
Genome position (GRCh38, 1-based): chr12:1,110,209, T>A. VCF-style: chr12-1110209-T-A. GRCh37 (hg19) VCF-style: chr12-1219375-T-A.
Other names: c.1179T>A, p.Ser393= (NM_001301248.1, NM_178039.4).
Identifiers: ClinVar variation 776684 (VCV000776684.7), dbSNP rs36113377, ClinGen allele CA6384401.